The following is an entry in ClinVar:

NM_003070.5(SMARCA2):c.2392T>G (p.Ser798Ala)

Gene: SMARCA2 (SWI/SNF related BAF chromatin remodeling complex subunit ATPase 2; plus strand). Cytogenetic location: 9p24.3.
Variant type: single nucleotide variant.
Coding change: c.2392T>G on transcript NM_003070.5 (MANE Select); coding-DNA position 2392, T replaced by G.
Protein change: p.Ser798Ala; replaces serine 798 with alanine.
Molecular consequence: missense variant.
Genome position (GRCh38, 1-based): chr9:2,083,390, T>G. VCF-style: chr9-2083390-T-G. GRCh37 (hg19) VCF-style: chr9-2083390-T-G.
Other names: c.2392T>G, p.Ser798Ala (NM_001289396.2, NM_001289397.2, NM_139045.4); c.2392T>G (NM_003070.3); short protein forms S798A.
Identifiers: ClinVar variation 1722382 (VCV001722382.2), dbSNP rs2537336151, ClinGen allele CA372784462.

ClinVar aggregate classification (germline): Uncertain significance. Review status: criteria provided, multiple submitters, no conflicts (2 of 4 stars). 2 submissions from 2 submitters: Uncertain significance (2). Last evaluated 2023-11-20.

Submissions (2):

GeneDx
Classification: Uncertain significance. Last evaluated: 2023-11-20. Review status: criteria provided, single submitter. Criteria: GeneDx Variant Classification Process June 2021. Collection method: clinical testing. Allele origin: germline. Affected: yes.
Comment: Not observed at significant frequency in large population cohorts (gnomAD); In silico analysis supports that this missense variant does not alter protein structure/function; Has not been previously published as pathogenic or benign to our knowledge

Women's Health and Genetics/Laboratory Corporation of America, LabCorp
Classification: Uncertain significance. Last evaluated: 2022-09-30. Review status: criteria provided, single submitter. Criteria: LabCorp Variant Classification Summary - May 2015. Collection method: clinical testing. Allele origin: germline.
Comment: Variant summary: SMARCA2 c.2392T>G (p.Ser798Ala) results in a conservative amino acid change located in the ATP-binding domain (IPR014001) of the encoded protein sequence. Three of five in-silico tools predict a benign effect of the variant on protein function. The variant was absent in 247452 control chromosomes (gnomAD). The available data on variant occurrences in the general population are insufficient to allow any conclusion about variant significance. To our knowledge, no occurrence of c.2392T>G in individuals affected with Nicolaides-Baraitser Syndrome and no experimental evidence demonstrating its impact on protein function have been reported. No clinical diagnostic laboratories have submitted clinical-significance assessments for this variant to ClinVar after 2014. Based on the evidence outlined above, the variant was classified as uncertain significance.